The following is an entry in ClinVar:

ClinVar aggregate classification (germline): Uncertain significance (1 of 4 stars; one submission).

Conditions:
Spinocerebellar ataxia, autosomal recessive, with axonal neuropathy 2 (SCAN2). Also called: ATAXIA-OCULOMOTOR APRAXIA 2; Ataxia with Oculomotor Apraxia; Ataxia-ocular apraxia-2; Ataxia with Oculomotor Apraxia Type 2. Identifiers: Orphanet 64753, MedGen C1853761, MONDO:0018996, OMIM 606002.
Amyotrophic lateral sclerosis type 4 (ALS4). Also called: AMYOTROPHIC LATERAL SCLEROSIS 4, JUVENILE; NEURONOPATHY, DISTAL HEREDITARY MOTOR, WITH PYRAMIDAL FEATURES. Identifiers: Orphanet 357043, MedGen C1865409, MONDO:0011223, OMIM 602433.

Allele frequency attached by ClinVar (database versions not stated): TOPMed 0.00001; gnomAD 0.00001; gnomAD exomes 0.00001.
gnomAD v4.1: 3 of 1,614,076 alleles (0.00019%); highest among the groups gnomAD compares: Non-Finnish European, 0.00025%; no homozygotes.

Submission:

Labcorp Genetics (formerly Invitae), Labcorp
Classification: Uncertain significance for Amyotrophic lateral sclerosis type 4; Spinocerebellar ataxia, autosomal recessive, with axonal neuropathy 2. Last evaluated: 2020-01-27. Review status: criteria provided, single submitter. Criteria: Invitae Variant Classification Sherloc (09022015). Collection method: clinical testing. Allele origin: germline.
Comment: In summary, this variant is a novel missense change with uncertain impact on protein function. It has been classified as a Variant of Uncertain Significance. Algorithms developed to predict the effect of missense changes on protein structure and function do not agree on the potential impact of this missense change (SIFT: "Tolerated"; PolyPhen-2: "Possibly Damaging"; Align-GVGD: "Class C0"). This variant is not present in population databases (ExAC no frequency) and has not been reported in the literature in individuals with a SETX-related disease. This sequence change replaces leucine with methionine at codon 1635 of the SETX protein (p.Leu1635Met). The leucine residue is weakly conserved and there is a small physicochemical difference between leucine and methionine.

NM_015046.7(SETX):c.4903T>A (p.Leu1635Met)

Gene: SETX (senataxin; minus strand). Cytogenetic location: 9q34.13.
Variant type: single nucleotide variant.
Coding change: c.4903T>A on transcript NM_015046.7 (MANE Select); coding-DNA position 4903, T replaced by A.
Protein change: p.Leu1635Met; replaces leucine 1635 with methionine.
Molecular consequence: missense variant.
Genome position (GRCh38, 1-based): chr9:132,326,695, A>T on the plus strand (T>A on the coding strand, the complement: SETX is on the minus strand). VCF-style: chr9-132326695-A-T. GRCh37 (hg19) VCF-style: chr9-135202082-A-T.
Other names: c.4903T>A, p.Leu1635Met (NM_001351527.2, NM_001351528.2); short protein forms L1635M.
Identifiers: ClinVar variation 468515 (VCV000468515.9), dbSNP rs1466879487, ClinGen allele CA375323447.
Genomic context (GRCh38, chr9:132,326,695, plus strand): 5'-AATTCTTCATTTCACCAACTGGCTTCTGAGCTATGAGGGGAACTGGCTGTGGTACTTTCA[A>T]AATCGACTGTATCCCCTTTGACTTATTTTTTAGAGACGGTGAAAGTGCTGAAGAAGTTTC-3'
Protein context (NP_055861.3, residues 1625-1645): KNKSKGIQSI[Leu1635Met]KVPQPVPLIA